The following is an entry in ClinVar:

ClinVar aggregate classification (germline): Benign/Likely benign. Review status: criteria provided, multiple submitters, no conflicts (2 of 4 stars). 17 submissions from 16 submitters: Benign (6); Likely benign (8). 3 of the submissions do not count toward it. Last evaluated 2026-01-26.

Conditions:
Hypobetalipoproteinemia. Identifiers: Orphanet 31154, MedGen C0020597, MONDO:0017774.
Hypercholesterolemia, autosomal dominant, 3 (FHCL3). Also called: Familial hypercholesterolemia 3; Familial Hypercholesterolemia, Autosomal Dominant, 3; PCSK9-Related Familial Hypercholesterolemia, Autosomal Dominant. Identifiers: MedGen C1863551, MONDO:0011369, OMIM 603776.
PCSK9-related disorder. Also called: PCSK9-related disorders; PCSK9-related condition.
Familial hypercholesterolemia. Also called: Familial hypercholesterolaemia; Familial hypercholesterolemias. Identifiers: MedGen C0020445, MONDO:0005439.
Cardiovascular phenotype. Identifiers: MedGen CN230736.

Allele frequency attached by ClinVar (database versions not stated): gnomAD exomes 0.00017 and 0.00036; ExAC 0.00036; gnomAD 0.00113 and 0.00117; ESP Exome Variant Server 0.00115; TOPMed 0.00125; 1000 Genomes Project 30x 0.00156; 1000 Genomes Project 0.00180.
gnomAD v4.1: 441 of 1,613,960 alleles (0.027%); highest among the groups gnomAD compares: African/African-American, 0.37%; 1 homozygote.

Submissions (17):

Labcorp Genetics (formerly Invitae), Labcorp
Classification: Benign for Hypercholesterolemia, autosomal dominant, 3. Last evaluated: 2026-01-26. Review status: criteria provided, single submitter. Criteria: Invitae Variant Classification Sherloc (09022015). Collection method: clinical testing. Allele origin: germline.

CeGaT Center for Human Genetics Tuebingen
Classification: Likely benign. Last evaluated: 2025-09-01. Review status: criteria provided, single submitter. Criteria: CeGaT Center For Human Genetics Tuebingen Variant Classification Criteria Version 2. Collection method: clinical testing. Allele origin: germline. Affected: yes. Observed: 2 variant alleles.
Comment: PCSK9: BP4, BP7

Molecular Diagnostic Laboratory for Inherited Cardiovascular Disease, Montreal Heart Institute
Classification: Likely benign. Last evaluated: 2025-04-09. Review status: criteria provided, single submitter. Criteria: ACMG Guidelines, 2015. Collection method: clinical testing. Allele origin: germline. Affected: no.

Quest Diagnostics Nichols Institute San Juan Capistrano
Classification: Benign. Last evaluated: 2024-12-19. Review status: criteria provided, single submitter. Criteria: Quest Diagnostics criteria. Collection method: clinical testing. Allele origin: unknown.

Blueprint Genetics
Classification: Likely benign. Last evaluated: 2024-10-08. Review status: criteria provided, single submitter. Criteria: ACMG Guidelines, 2015. Collection method: clinical testing. Allele origin: germline.

GENinCode PLC
Classification: Likely benign for Familial hypercholesterolemia. Last evaluated: 2024-04-17. Review status: criteria provided, single submitter. Criteria: ACMG Guidelines, 2015. Collection method: clinical testing. Allele origin: germline.
Comment: This is a synonymous (silent) variant that is not predicted by SpliceAI to impact splicing. In addition, it occurs at a nucleotide that is not conserved and has a PopMax FAF which is greater than expected for this disorder. Therefore this variant has been classified as Likely Benign (BS1, BP4, BP7).

ARUP Laboratories, Molecular Genetics and Genomics, ARUP Laboratories
Classification: Benign. Last evaluated: 2023-09-20. Review status: criteria provided, single submitter. Criteria: ARUP Molecular Germline Variant Investigation Process 2024. Collection method: clinical testing. Allele origin: germline.

GeneDx
Classification: Likely benign. Last evaluated: 2020-09-17. Review status: criteria provided, single submitter. Criteria: GeneDx Variant Classification Process June 2021. Collection method: clinical testing. Allele origin: germline. Affected: yes.
Comment: This variant is associated with the following publications: (PMID: 25904937)

Color Diagnostics, LLC DBA Color Health
Classification: Benign for Familial hypercholesterolemias. Last evaluated: 2018-07-14. Review status: criteria provided, single submitter. Criteria: ACMG Guidelines, 2015. Collection method: clinical testing. Allele origin: germline.

Ambry Genetics
Classification: Likely benign for Cardiovascular phenotype. Last evaluated: 2018-02-26. Review status: criteria provided, single submitter. Criteria: Ambry Variant Classification Scheme 2023. Collection method: clinical testing. Allele origin: germline.

Illumina Laboratory Services, Illumina
Classification: Likely benign for Hypobetalipoproteinemia. Last evaluated: 2017-10-29. Review status: criteria provided, single submitter. Criteria: ICSL Variant Classification Criteria 13 December 2019. Collection method: clinical testing. Allele origin: germline.
Comment: This variant was observed as part of a predisposition screen in an ostensibly healthy population. A literature search was performed for the gene, cDNA change, and amino acid change (where applicable). Publications were found based on this search. The evidence from the literature, in combination with allele frequency data from public databases where available, was sufficient to determine this variant is unlikely to cause disease. Therefore, this variant is classified as likely benign.

Illumina Laboratory Services, Illumina
Classification: Benign for Hypercholesterolemia, autosomal dominant, 3. Last evaluated: 2017-10-29. Review status: criteria provided, single submitter. Criteria: ICSL Variant Classification Criteria 13 December 2019. Collection method: clinical testing. Allele origin: germline.
Comment: This variant was observed as part of a predisposition screen in an ostensibly healthy population. A literature search was performed for the gene, cDNA change, and amino acid change (where applicable). Publications were found based on this search. The evidence from the literature, in combination with allele frequency data from public databases where available, was sufficient to rule this variant out of causing disease. Therefore, this variant is classified as benign.

Women's Health and Genetics/Laboratory Corporation of America, LabCorp
Classification: Benign. Last evaluated: 2017-07-21. Review status: criteria provided, single submitter. Criteria: LabCorp Variant Classification Summary - May 2015. Collection method: clinical testing. Allele origin: germline.
Comment: Variant summary: The PCSK9 c.525C>T (p.Asp175Asp) variant involves the alteration of a non-conserved nucleotide, resulting in a synonymous change. One in silico tool predicts a polymorphism outcome for this variant. 5/5 splice prediction tools predict no significant impact on normal splicing. ESE finder predicts that this variant may abrogate the binding sites for splicing enhancers. However, these predictions have yet to be confirmed by functional studies. The variant of interest has been found in a large, broad control population, ExAC in 44/121334 control chromosomes at a frequency of 0.0003626, which is approximately 4 times the estimated maximal expected allele frequency of a pathogenic PCSK9 variant (0.0000938), suggesting this variant is likely a benign polymorphism. The variant of interest has not, to our knowledge, been reported in affected individuals via publications and/or reputable databases/clinical diagnostic laboratories; nor evaluated for functional impact by in vivo/vitro studies. Taken together, this variant is classified as benign.

Breakthrough Genomics
Classification: Likely benign. Review status: criteria provided, single submitter. Criteria: ACMG Guidelines, 2015. Collection method: not provided. Allele origin: germline. Inheritance: Autosomal dominant inheritance. Affected: yes.

PreventionGenetics, part of Exact Sciences
Classification: Likely benign for PCSK9-related condition. Last evaluated: 2020-01-13. Review status: no assertion criteria provided. Collection method: clinical testing. Allele origin: germline. Not counted in ClinVar's aggregate classification.
Comment: This variant is classified as likely benign based on ACMG/AMP sequence variant interpretation guidelines (Richards et al. 2015 PMID: 25741868, with internal and published modifications).

Clinical Genetics, Academic Medical Center
Classification: Likely benign. Review status: no assertion criteria provided. Collection method: clinical testing. Allele origin: germline. Affected: yes. Study: VKGL Data-share Consensus. Not counted in ClinVar's aggregate classification.

Diagnostic Laboratory, Department of Genetics, University Medical Center Groningen
Classification: Likely benign. Review status: no assertion criteria provided. Collection method: clinical testing. Allele origin: germline. Affected: yes. Study: VKGL Data-share Consensus. Not counted in ClinVar's aggregate classification.

Literature cited by the submitters: PubMed 25904937 (cited by 3 submitters); PubMed 35047021 (cited by Quest Diagnostics Nichols Institute San Juan Capistrano).

NM_174936.4(PCSK9):c.525C>T (p.Asp175=)

Gene: PCSK9 (proprotein convertase subtilisin/kexin type 9; plus strand). Cytogenetic location: 1p32.3.
Variant type: single nucleotide variant.
Coding change: c.525C>T on transcript NM_174936.4 (MANE Select); coding-DNA position 525, C replaced by T.
Protein change: p.Asp175=; no amino-acid change (aspartic acid 175 retained).
Molecular consequence: synonymous variant. On other transcripts: non-coding transcript variant (8).
Genome position (GRCh38, 1-based): chr1:55,052,279, C>T. VCF-style: chr1-55052279-C-T. GRCh37 (hg19) VCF-style: chr1-55517952-C-T.
Other names: c.648C>T, p.Asp216= (NM_001407240.1); c.525C>T, p.Asp175= (NM_001407241.1, NM_001407242.1, NM_001407244.1 and 1 more transcripts); c.468C>T, p.Asp156= (NM_001407243.1); c.333C>T, p.Asp111= (NM_001407245.1); c.150C>T, p.Asp50= (NM_001407246.1).
Identifiers: ClinVar variation 496562 (VCV000496562.40), dbSNP rs148612296, ClinGen allele CA043154.